The following is an entry in ClinVar:

NM_000321.3(RB1):c.2672T>C (p.Leu891Pro)

Gene: RB1 (RB transcriptional corepressor 1; plus strand). Cytogenetic location: 13q14.2.
Variant type: single nucleotide variant.
Coding change: c.2672T>C on transcript NM_000321.3 (MANE Select); coding-DNA position 2672, T replaced by C.
Protein change: p.Leu891Pro; replaces leucine 891 with proline.
Molecular consequence: missense variant.
Genome position (GRCh38, 1-based): chr13:48,477,363, T>C. VCF-style: chr13-48477363-T-C. GRCh37 (hg19) VCF-style: chr13-49051499-T-C.
Other names: c.2672T>C, p.Leu891Pro (NM_001407165.1); c.122T>C, p.Leu41Pro (NM_001407168.1); short protein forms L891P, L41P.
Identifiers: ClinVar variation 1794568 (VCV001794568.8), dbSNP rs1949510396, ClinGen allele CA388157774.
Genomic context (GRCh38, chr13:48,477,363, plus strand): 5'-GTTTTCCATTTATAAATACACATGAAATGTTTTGCATTTTTTTAATCTGCAGTAAACATC[T>C]CCCAGGAGAGTCCAAATTTCAGCAGAAACTGGCAGAAATGAGTAAGTACTTTTTTCACCT-3'
Protein context (NP_000312.2, residues 881-901): GSDEADGSKH[Leu891Pro]PGESKFQQKL

ClinVar aggregate classification (germline): Uncertain significance. Review status: criteria provided, multiple submitters, no conflicts (2 of 4 stars). 4 submissions from 4 submitters: Uncertain significance (4). Last evaluated 2025-06-27.

Conditions:
Hereditary cancer-predisposing syndrome. Also called: Tumor predisposition; Hereditary Cancer Syndrome; Neoplastic Syndromes, Hereditary; Hereditary neoplastic syndrome. Identifiers: Orphanet 140162, MedGen C0027672, MeSH D009386, MONDO:0015356.
Retinoblastoma (RB1). Also called: RETINOBLASTOMA, SOMATIC. Identifiers: Orphanet 790, MedGen C0035335, MeSH D012175, MONDO:0008380, OMIM 180200, HP:0009919. Disease mechanism: loss of function. Inheritance: Both sporadic and heritable forms are tested..

Allele frequency attached by ClinVar (database versions not stated): gnomAD exomes below 0.00001; gnomAD 0.00001.
gnomAD v4.1: 2 of 1,609,178 alleles (0.00012%); highest among the groups gnomAD compares: Admixed American, 0.0017%; no homozygotes.

Submissions (4):

Labcorp Genetics (formerly Invitae), Labcorp
Classification: Uncertain significance for Retinoblastoma. Last evaluated: 2025-06-27. Review status: criteria provided, single submitter. Criteria: Invitae Variant Classification Sherloc (09022015). Collection method: clinical testing. Allele origin: germline.
Comment: This sequence change replaces leucine, which is neutral and non-polar, with proline, which is neutral and non-polar, at codon 891 of the RB1 protein (p.Leu891Pro). This variant is not present in population databases (gnomAD no frequency). This variant has not been reported in the literature in individuals affected with RB1-related conditions. ClinVar contains an entry for this variant (Variation ID: 1794568). Invitae Evidence Modeling of protein sequence and biophysical properties (such as structural, functional, and spatial information, amino acid conservation, physicochemical variation, residue mobility, and thermodynamic stability) has been performed for this missense variant. However, the output from this modeling did not meet the statistical confidence thresholds required to predict the impact of this variant on RB1 protein function. In summary, the available evidence is currently insufficient to determine the role of this variant in disease. Therefore, it has been classified as a Variant of Uncertain Significance.

Ambry Genetics
Classification: Uncertain significance for Hereditary cancer-predisposing syndrome. Last evaluated: 2024-05-22. Review status: criteria provided, single submitter. Criteria: Ambry Variant Classification Scheme 2023. Collection method: clinical testing. Allele origin: germline.
Comment: The p.L891P variant (also known as c.2672T>C), located in coding exon 26 of the RB1 gene, results from a T to C substitution at nucleotide position 2672. The leucine at codon 891 is replaced by proline, an amino acid with similar properties. This amino acid position is well conserved in available vertebrate species. In addition, the in silico prediction for this alteration is inconclusive. Since supporting evidence is limited at this time, the clinical significance of this alteration remains unclear.

All of Us Research Program, National Institutes of Health
Classification: Uncertain significance for Retinoblastoma. Last evaluated: 2023-12-01. Review status: criteria provided, single submitter. Criteria: ACMG Guidelines, 2015. Collection method: clinical testing. Allele origin: germline. Inheritance: Autosomal dominant inheritance. Observed: 1 variant allele, 1 heterozygote.
Comment: This study involves interpretation of variants in research participants for the purpose of population health screening. Participant phenotype was not available at the time of variant classification. Additional details can be found in publication PMID: 35346344, PMCID: PMC8962531

Revvity Omics, Revvity
Classification: Uncertain significance for Retinoblastoma. Last evaluated: 2019-05-30. Review status: criteria provided, single submitter. Criteria: ACMG Guidelines, 2015. Collection method: clinical testing. Allele origin: germline.